The following is an entry in ClinVar:

ClinVar aggregate classification (germline): Uncertain significance. Review status: criteria provided, multiple submitters, no conflicts (2 of 4 stars). 2 submissions from 2 submitters: Uncertain significance (2). Last evaluated 2025-08-10.

Conditions:
Hereditary cancer-predisposing syndrome. Also called: Tumor predisposition; Hereditary Cancer Syndrome; Hereditary neoplastic syndrome; Neoplastic Syndromes, Hereditary. Identifiers: Orphanet 140162, MedGen C0027672, MeSH D009386, MONDO:0015356.
Multiple endocrine neoplasia, type 2 (MEN2). Identifiers: Orphanet 653, MedGen C4048306, MONDO:0019003. Disease mechanism: gain of function.

Allele frequency attached by ClinVar (database versions not stated): TOPMed below 0.00001.

Submissions (2):

Labcorp Genetics (formerly Invitae), Labcorp
Classification: Uncertain significance for Multiple endocrine neoplasia, type 2. Last evaluated: 2025-08-10. Review status: criteria provided, single submitter. Criteria: Invitae Variant Classification Sherloc (09022015). Collection method: clinical testing. Allele origin: germline.
Comment: This sequence change replaces tyrosine, which is neutral and polar, with asparagine, which is neutral and polar, at codon 1062 of the RET protein (p.Tyr1062Asn). This variant is not present in population databases (gnomAD no frequency). This variant has not been reported in the literature in individuals affected with RET-related conditions. ClinVar contains an entry for this variant (Variation ID: 486344). An algorithm developed to predict the effect of missense changes on protein structure and function (PolyPhen-2) suggests that this variant is likely to be tolerated. In summary, the available evidence is currently insufficient to determine the role of this variant in disease. Therefore, it has been classified as a Variant of Uncertain Significance.

Ambry Genetics
Classification: Uncertain significance for Hereditary cancer-predisposing syndrome. Last evaluated: 2016-08-01. Review status: criteria provided, single submitter. Criteria: Ambry Variant Classification Scheme 2023. Collection method: clinical testing. Allele origin: germline.
Comment: The p.Y1062N variant (also known as c.3184T>A), located in coding exon 19 of the RET gene, results from a T to A substitution at nucleotide position 3184. The tyrosine at codon 1062 is replaced by asparagine, an amino acid with dissimilar properties. A different alteration at this position, p.Y1062C, has been reported in individuals with Hirschprung's disease in Chinese and Taiwanese populations (Wu TT et al. J. Hum. Genet., 2005 Apr;50:168-74; So MT et al. PLoS ONE, 2011 Dec;6:e28986). However, this alteration was also identified in a cohort of 681 ancestrally diverse, healthy subjects (Bodian DL et al. PLoS ONE, 2014 Apr;9:e94554). Functional analyses of another alteration at this position, p.Y1062F, demonstrate that this residue is a critical multifunctional intracytoplasmic docking site for downstream signaling pathways, and p.Y1062F blocks the interaction of Shc with RET and leads to a complete loss of Shc phosphorylation (Geneste O et al. Hum. Mol. Genet., 1999 Oct;8:1989-99). The p.Y1062N variant was not reported in population based cohorts in the following databases: Database of Single Nucleotide Polymorphisms (dbSNP), NHLBI Exome Sequencing Project (ESP), and 1000 Genomes Project. In the ESP, this variant was not observed in 6503 samples (13006 alleles) with coverage at this position. To date, this alteration has been detected with an allele frequency of approximately 0.005% (greater than 20000 alleles tested) in our clinical cohort. This amino acid position is highly conserved in available vertebrate species. In addition, this alteration is predicted to be deleterious by in silico analysis. Since supporting evidence is limited at this time, the clinical significance of this alteration remains unclear.

Literature cited by the submitters: PubMed 10484767 (cited by Ambry Genetics); PubMed 15834508 (cited by Ambry Genetics); PubMed 22174939 (cited by Ambry Genetics); PubMed 24728327 (cited by Ambry Genetics).

NM_020975.6(RET):c.3184T>A (p.Tyr1062Asn)

Gene: RET (ret proto-oncogene; plus strand). Cytogenetic location: 10q11.21.
Variant type: single nucleotide variant.
Coding change: c.3184T>A on transcript NM_020975.6 (MANE Select); coding-DNA position 3184, T replaced by A.
Protein change: p.Tyr1062Asn; replaces tyrosine 1062 with asparagine.
Molecular consequence: missense variant.
Genome position (GRCh38, 1-based): chr10:43,126,719, T>A. VCF-style: chr10-43126719-T-A. GRCh37 (hg19) VCF-style: chr10-43622167-T-A.
Other names: c.3184T>A, p.Tyr1062Asn (NM_000323.2, NM_001406743.1, NM_001406744.1 and 2 more transcripts); c.2422T>A, p.Tyr808Asn (NM_001355216.2); c.3055T>A, p.Tyr1019Asn (NM_001406761.1, NM_001406762.1, NM_001406764.1); c.3049T>A, p.Tyr1017Asn (NM_001406763.1, NM_001406765.1); c.2896T>A, p.Tyr966Asn (NM_001406766.1, NM_001406767.1, NM_001406770.1); c.2920T>A, p.Tyr974Asn (NM_001406768.1); c.2788T>A, p.Tyr930Asn (NM_001406769.1, NM_001406772.1); c.2746T>A, p.Tyr916Asn (NM_001406771.1, NM_001406773.1); and 10 more; short protein forms Y1062N, Y808N, Y820N, Y974N, Y1019N, Y732N, Y763N, Y887N.
Identifiers: ClinVar variation 486344 (VCV000486344.13), dbSNP rs138010639, ClinGen allele CA376558555.